The following is an entry in ClinVar:

ClinVar aggregate classification (germline): Pathogenic (1 of 4 stars; one submission).

Submission:

GeneDx
Classification: Pathogenic. Last evaluated: 2019-10-01. Review status: criteria provided, single submitter. Criteria: GeneDx Variant Classification Process June 2021. Collection method: clinical testing. Allele origin: germline. Affected: yes.
Comment: Has not been previously published as pathogenic or benign to our knowledge; Frameshift variant predicted to result in protein truncation or nonsense mediated decay in a gene for which loss-of-function is a known mechanism of disease; Not observed in large population cohorts (Lek et al., 2016)

NM_016032.4(ZDHHC9):c.717_738del (p.Val240fs)

Gene: ZDHHC9 (zinc finger DHHC-type palmitoyltransferase 9; minus strand). Cytogenetic location: Xq26.1.
Variant type: Deletion.
Coding change: c.717_738del on transcript NM_016032.4 (MANE Select); coding-DNA positions 717 to 738, 22 bases deleted (CGTGGGACTGACTGGATTTCAT).
Protein change: p.Val240fs; shifts the reading frame from valine 240.
Molecular consequence: frameshift variant.
Genome position (GRCh38, 1-based): chrX:129,812,757-129,812,778, ATGAAATCCAGTCAGTCCCACG deleted on the plus strand (CGTGGGACTGACTGGATTTCAT on the coding strand, the reverse complement: ZDHHC9 is on the minus strand); deleting any 22 consecutive bases within chrX:129,812,757-129,812,779 gives the same sequence; the c. name uses the placement nearest the transcript's 3' end. VCF-style (leftmost placement, unchanged base first): chrX-129812756-TATGAAATCCAGTCAGTCCCACG-T. GRCh37 (hg19) VCF-style: chrX-128946732-TATGAAATCCAGTCAGTCCCACG-T.
Other names: c.717_738del, p.Val240fs (NM_001008222.3); c.717_738del22 (NM_016032.2); short protein forms V240fs.
Identifiers: ClinVar variation 524052 (VCV000524052.3), dbSNP rs1556004792, ClinGen allele CA658799857.
Genomic context (GRCh38, chrX:129,812,756, plus strand): 5'-GGAGAAGAGAAAGTTGACTCACGTCTTCATTGGTTGTCTGGTTGAGAGCCACGAGGAAAG[TATGAAATCCAGTCAGTCCCACG>T]ACGGACCAGAGTGTAAAGAAGCAAATGAGGACTTCTAGAACAGTGAGGTGTGGTTAAGGA-3'